The following is an entry in ClinVar:

ClinVar aggregate classification (germline): Uncertain significance. Review status: criteria provided, multiple submitters, no conflicts (2 of 4 stars). 3 submissions from 3 submitters: Uncertain significance (3). Last evaluated 2024-05-22.

Conditions:
Inborn genetic diseases. Identifiers: MedGen C0950123, MeSH D030342.

Allele frequency attached by ClinVar (database versions not stated): gnomAD 0.00002 and 0.00003; ExAC 0.00003; TOPMed 0.00003; gnomAD exomes 0.00006 and 0.00011; 1000 Genomes Project 30x 0.00016; 1000 Genomes Project 0.00020.
gnomAD v4.1: 140 of 1,357,758 alleles (0.01%); highest among the groups gnomAD compares: Non-Finnish European, 0.013%; no homozygotes.

Submissions (3):

Blueprint Genetics
Classification: Uncertain significance. Last evaluated: 2024-05-22. Review status: criteria provided, single submitter. Criteria: ACMG Guidelines, 2015. Collection method: clinical testing. Allele origin: germline.

Ambry Genetics
Classification: Uncertain significance for Inborn genetic diseases. Last evaluated: 2022-12-01. Review status: criteria provided, single submitter. Criteria: Ambry Variant Classification Scheme 2023. Collection method: clinical testing. Allele origin: germline.

Labcorp Genetics (formerly Invitae), Labcorp
Classification: Uncertain significance. Last evaluated: 2022-07-17. Review status: criteria provided, single submitter. Criteria: Invitae Variant Classification Sherloc (09022015). Collection method: clinical testing. Allele origin: germline.
Comment: This sequence change replaces lysine, which is basic and polar, with glutamic acid, which is acidic and polar, at codon 304 of the TRAF3IP1 protein (p.Lys304Glu). This variant is present in population databases (rs200303815, gnomAD 0.008%). This variant has not been reported in the literature in individuals affected with TRAF3IP1-related conditions. ClinVar contains an entry for this variant (Variation ID: 1345111). Algorithms developed to predict the effect of missense changes on protein structure and function (SIFT, PolyPhen-2, Align-GVGD) all suggest that this variant is likely to be tolerated. In summary, the available evidence is currently insufficient to determine the role of this variant in disease. Therefore, it has been classified as a Variant of Uncertain Significance.

NM_015650.4(IFT54):c.910A>G (p.Lys304Glu)

Gene: IFT54 (intraflagellar transport 54; plus strand). Cytogenetic location: 2q37.3.
Variant type: single nucleotide variant.
Coding change: c.910A>G on transcript NM_015650.4 (MANE Select); coding-DNA position 910, A replaced by G.
Protein change: p.Lys304Glu; replaces lysine 304 with glutamic acid.
Molecular consequence: missense variant.
Genome position (GRCh38, 1-based): chr2:238,329,337, A>G. VCF-style: chr2-238329337-A-G. GRCh37 (hg19) VCF-style: chr2-239237978-A-G.
Other names: c.910A>G, p.Lys304Glu (NM_001139490.1); c.910A>G (NM_015650.3); short protein forms K304E.
Identifiers: ClinVar variation 1345111 (VCV001345111.5), dbSNP rs200303815, ClinGen allele CA2198171.